The following is an entry in ClinVar:

ClinVar aggregate classification (germline): Pathogenic. Review status: criteria provided, multiple submitters, no conflicts (2 of 4 stars). 3 submissions from 3 submitters: Pathogenic (3). Last evaluated 2025-09-10.

Conditions:
Sotos syndrome (SOTOS). Also called: SOTOS SYNDROME 1; CHROMOSOME 5q35 DELETION SYNDROME; CEREBRAL GIGANTISM; Sotos' syndrome; Distinctive facial appearance, overgrowth in childhood, and learning disabilities or delayed development. Identifiers: Orphanet 821, MedGen C0175695, MONDO:0019349, OMIM 117550.

Submissions (3):

Genomic Medicine Center of Excellence, King Faisal Specialist Hospital and Research Centre
Classification: Pathogenic for Sotos syndrome. Last evaluated: 2025-09-10. Review status: criteria provided, single submitter. Criteria: ACMG Guidelines, 2015. Collection method: clinical testing. Allele origin: germline.

GeneDx
Classification: Pathogenic. Last evaluated: 2025-06-16. Review status: criteria provided, single submitter. Criteria: GeneDx Variant Classification Process June 2021. Collection method: clinical testing. Allele origin: germline.
Comment: Frameshift variant predicted to result in protein truncation or nonsense mediated decay in a gene for which loss of function is a known mechanism of disease; Not observed at significant frequency in large population cohorts (gnomAD); This variant is associated with the following publications: (PMID: 17565729)

Center of Human Genetics, Hôpital Erasme
Classification: Pathogenic for Sotos syndrome. Last evaluated: 2025-01-01. Review status: criteria provided, single submitter. Criteria: ACMG Guidelines, 2015. Collection method: clinical testing. Allele origin: de novo. Affected: yes.

NM_022455.5(NSD1):c.2603_2604del (p.Ser868fs)

Gene: NSD1 (nuclear receptor binding SET domain protein 1; plus strand). Cytogenetic location: 5q35.3.
Variant type: Microsatellite.
Coding change: c.2603_2604del on transcript NM_022455.5 (MANE Select); coding-DNA positions 2603 to 2604, 2 bases deleted (CT; older notation c.2603_2604delCT).
Protein change: p.Ser868fs; shifts the reading frame from serine 868.
Molecular consequence: frameshift variant.
Genome position (GRCh38, 1-based): chr5:177,211,002-177,211,003, CT deleted; deleting any 2 consecutive bases within chr5:177,210,998-177,211,003 gives the same sequence; the c. name uses the placement nearest the transcript's 3' end. VCF-style (leftmost placement, unchanged base first): chr5-177210997-ACT-A. GRCh37 (hg19) VCF-style: chr5-176637998-ACT-A.
Other names: c.2603_2604del (NM_022455.4); c.2603_2604delCT (NM_022455.5); c.1730_1731del, p.Ser577fs (NM_001365684.2, NM_001409306.1, NM_172349.5 and 3 more transcripts); c.2603_2604del, p.Ser868fs (NM_001409301.1, NM_001409302.1, NM_001409303.1); c.2183_2184del, p.Ser728fs (NM_001409304.1); c.1850_1851del, p.Ser617fs (NM_001409305.1); c.2599_2600CT[2], p.Ser868Leufs (NM_022455.4); short protein forms S577fs, S617fs, S728fs, S868fs.
Identifiers: ClinVar variation 3253469 (VCV003253469.4), dbSNP rs2480456381.